The following is an entry in ClinVar:

ClinVar aggregate classification (germline): Uncertain significance (1 of 4 stars; one submission).

Allele frequency attached by ClinVar (database versions not stated): TOPMed below 0.00001; gnomAD exomes 0.00001 and 0.00004; ExAC 0.00002.

Submission:

Labcorp Genetics (formerly Invitae), Labcorp
Classification: Uncertain significance. Last evaluated: 2022-03-21. Review status: criteria provided, single submitter. Criteria: Invitae Variant Classification Sherloc (09022015). Collection method: clinical testing. Allele origin: germline.
Comment: This sequence change replaces lysine, which is basic and polar, with arginine, which is basic and polar, at codon 94 of the RDH5 protein (p.Lys94Arg). This variant is present in population databases (rs764069180, gnomAD 0.03%). This variant has not been reported in the literature in individuals affected with RDH5-related conditions. Algorithms developed to predict the effect of missense changes on protein structure and function output the following: SIFT: "Tolerated"; PolyPhen-2: "Benign"; Align-GVGD: "Class C0". The arginine amino acid residue is found in multiple mammalian species, which suggests that this missense change does not adversely affect protein function. Algorithms developed to predict the effect of sequence changes on RNA splicing suggest that this variant may create or strengthen a splice site. In summary, the available evidence is currently insufficient to determine the role of this variant in disease. Therefore, it has been classified as a Variant of Uncertain Significance.

NM_002905.5(RDH5):c.281A>G (p.Lys94Arg)

Genes: BLOC1S1-RDH5 (BLOC1S1-RDH5 readthrough; plus strand), RDH5 (retinol dehydrogenase 5; plus strand). Cytogenetic location: 12q13.2.
Variant type: single nucleotide variant.
Coding change: c.281A>G on transcript NM_002905.5 (MANE Select); coding-DNA position 281, A replaced by G.
Protein change: p.Lys94Arg; replaces lysine 94 with arginine.
Molecular consequence: missense variant.
Genome position (GRCh38, 1-based): chr12:55,721,465, A>G. VCF-style: chr12-55721465-A-G. GRCh37 (hg19) VCF-style: chr12-56115249-A-G.
Other names: c.281A>G, p.Lys94Arg (NM_001199771.3); short protein forms K94R.
Identifiers: ClinVar variation 1473554 (VCV001473554.3), dbSNP rs764069180, ClinGen allele CA6616786.